The following is an entry in ClinVar:

ClinVar aggregate classification (germline): Uncertain significance. Review status: criteria provided, multiple submitters, no conflicts (2 of 4 stars). 2 submissions from 2 submitters: Uncertain significance (2). Last evaluated 2025-10-06.

Allele frequency attached by ClinVar (database versions not stated): ExAC 0.00004; TOPMed 0.00011.
gnomAD v4.1: 47 of 1,612,830 alleles (0.0029%); highest among the groups gnomAD compares: African/African-American, 0.033%; no homozygotes.

Submissions (2):

Labcorp Genetics (formerly Invitae), Labcorp
Classification: Uncertain significance. Last evaluated: 2025-10-06. Review status: criteria provided, single submitter. Criteria: Invitae Variant Classification Sherloc (09022015). Collection method: clinical testing. Allele origin: germline.
Comment: This sequence change replaces arginine, which is basic and polar, with histidine, which is basic and polar, at codon 1820 of the DSCAML1 protein (p.Arg1820His). This variant is present in population databases (rs758832848, gnomAD 0.03%). This variant has not been reported in the literature in individuals affected with DSCAML1-related conditions. ClinVar contains an entry for this variant (Variation ID: 1413467). An algorithm developed to predict the effect of missense changes on protein structure and function (PolyPhen-2) suggests that this variant is likely to be tolerated. In summary, the available evidence is currently insufficient to determine the role of this variant in disease. Therefore, it has been classified as a Variant of Uncertain Significance.

Ambry Genetics
Classification: Uncertain significance. Last evaluated: 2022-10-26. Review status: criteria provided, single submitter. Criteria: Ambry Variant Classification Scheme 2023. Collection method: clinical testing. Allele origin: germline.

NM_020693.4(DSCAML1):c.5279G>A (p.Arg1760His)

Gene: DSCAML1 (DS cell adhesion molecule like 1; minus strand). Cytogenetic location: 11q23.3.
Variant type: single nucleotide variant.
Coding change: c.5279G>A on transcript NM_020693.4 (MANE Select); coding-DNA position 5279, G replaced by A.
Protein change: p.Arg1760His; replaces arginine 1760 with histidine.
Molecular consequence: missense variant.
Genome position (GRCh38, 1-based): chr11:117,431,629, C>T on the plus strand (G>A on the coding strand, the complement: DSCAML1 is on the minus strand). VCF-style: chr11-117431629-C-T. GRCh37 (hg19) VCF-style: chr11-117302345-C-T.
Other names: c.5459G>A (NM_020693.2); short protein forms R1760H.
Identifiers: ClinVar variation 1413467 (VCV001413467.7), dbSNP rs758832848, ClinGen allele CA6296113.
Genomic context (GRCh38, chr11:117,431,629, plus strand): 5'-CTCTCAGTGACCGTGACACCATGCTGGGAGCCCACGGTGCGCCAGTCGGAGGTGAGGGTG[C>T]GGGCAGGTGTGGAGGCCTGGCACTTGGTCAGGGTCCACTGGCTTGAGTACCGGTTCCGGG-3'
Protein context (NP_065744.3, residues 1750-1770): LTKCQASTPA[Arg1760His]TLTSDWRTVG